The following is an entry in ClinVar:

NM_003331.5(TYK2):c.629+26T>C

Gene: TYK2 (tyrosine kinase 2; minus strand). Cytogenetic location: 19p13.2.
Variant type: single nucleotide variant.
Coding change: c.629+26T>C on transcript NM_003331.5 (MANE Select); 26 bases into the intron after coding-DNA position 629, T replaced by C.
Molecular consequence: intron variant.
Genome position (GRCh38, 1-based): chr19:10,366,391, A>G on the plus strand (T>C on the coding strand, the complement: TYK2 is on the minus strand). VCF-style: chr19-10366391-A-G. GRCh37 (hg19) VCF-style: chr19-10477067-A-G.
Other names: c.629+26T>C (NM_001385199.1, NM_001385205.1, NM_001385201.1 and 8 more transcripts).
Identifiers: ClinVar variation 1243741 (VCV001243741.5), dbSNP rs34725611, ClinGen allele CA9193680.

ClinVar aggregate classification (germline): Benign. Review status: criteria provided, multiple submitters, no conflicts (2 of 4 stars). 3 submissions from 3 submitters: Benign (3). Last evaluated 2023-11-12.

Allele frequency attached by ClinVar (database versions not stated): ESP Exome Variant Server 0.22543; gnomAD 0.22818 and 0.23323; TOPMed 0.23168; 1000 Genomes Project 30x 0.26546; 1000 Genomes Project 0.26937; gnomAD exomes 0.27716 and 0.28205; ExAC 0.28040.
gnomAD v4.1: 446,035 of 1,604,892 alleles (28%); highest among the groups gnomAD compares: East Asian, 45%; 65,031 homozygotes.

Submissions (3):

Unidad de Genómica Garrahan, Hospital de Pediatría Garrahan
Classification: Benign. Last evaluated: 2023-11-12. Review status: criteria provided, single submitter. Criteria: ACMG Guidelines, 2015. Collection method: clinical testing. Allele origin: germline. Affected: no. Observed: 35 variant alleles.
Comment: This variant is classified as Benign based on local population frequency. This variant was detected in 36% of patients studied by a panel of primary immunodeficiencies. Number of patients: 35. Only high quality variants are reported.

GeneDx
Classification: Benign. Last evaluated: 2018-06-26. Review status: criteria provided, single submitter. Criteria: GeneDx Variant Classification Process June 2021. Collection method: clinical testing. Allele origin: germline. Affected: yes.

Breakthrough Genomics
Classification: Benign. Review status: criteria provided, single submitter. Criteria: ACMG Guidelines, 2015. Collection method: not provided. Allele origin: germline. Inheritance: Autosomal recessive inheritance. Affected: yes.